The following is an entry in ClinVar:

ClinVar aggregate classification (germline): Benign. Review status: criteria provided, multiple submitters, no conflicts (2 of 4 stars). 2 submissions from 2 submitters: Benign (2). Last evaluated 2011-08-18.

Conditions:
Hypercholesterolemia, familial, 1. Also called: HYPERCHOLESTEROLEMIA, FAMILIAL, MODIFIER OF; LDL RECEPTOR DISORDER; Hyperlipoproteinemia Type IIa; HYPER-LOW-DENSITY-LIPOPROTEINEMIA; HYPERCHOLESTEROLEMIC XANTHOMATOSIS, FAMILIAL; Fredrickson type IIa hyperlipoproteinemia. Identifiers: Orphanet 391665, MedGen C0745103, MONDO:0007750, OMIM 143890.

Allele frequency attached by ClinVar (database versions not stated): gnomAD 0.82678 and 0.83300; TOPMed 0.83386; 1000 Genomes Project 30x 0.86446; 1000 Genomes Project 0.86861.

Submissions (2):

Women's Health and Genetics/Laboratory Corporation of America, LabCorp
Classification: Benign for Familial Hypercholesterolemia. Last evaluated: 2011-08-18. Review status: criteria provided, single submitter. Criteria: LabCorp Variant Classification Summary - May 2015. Collection method: curation. Allele origin: germline. Inheritance: autosomal unknown. Affected: yes.
ClinVar note: Converted during submission from benign to Benign.

Breakthrough Genomics
Classification: Benign. Review status: criteria provided, single submitter. Criteria: ACMG Guidelines, 2015. Collection method: not provided. Allele origin: germline. Inheritance: Autosomal dominant inheritance. Affected: yes.

NM_174936.4(PCSK9):c.1503+67T>C

Gene: PCSK9 (proprotein convertase subtilisin/kexin type 9; plus strand). Cytogenetic location: 1p32.3.
Variant type: single nucleotide variant.
Coding change: c.1503+67T>C on transcript NM_174936.4 (MANE Select); 67 bases into the intron after coding-DNA position 1503, T replaced by C.
Molecular consequence: intron variant.
Genome position (GRCh38, 1-based): chr1:55,058,714, T>C. VCF-style: chr1-55058714-T-C. GRCh37 (hg19) VCF-style: chr1-55524387-T-C.
Identifiers: ClinVar variation 36667 (VCV000036667.5), dbSNP rs563641, ClinGen allele CA023130.